The following is an entry in ClinVar:

ClinVar aggregate classification (germline): Pathogenic (1 of 4 stars; one submission).

Conditions:
DICER1-related tumor predisposition. Also called: DICER1-related pleuropulmonary blastoma cancer predisposition syndrome; DICER1 syndrome. Identifiers: Orphanet 284343, MedGen C3839822, MONDO:0100216.

Submission:

Foulkes Cancer Genetics LDI, Lady Davis Institute for Medical Research
Classification: Pathogenic for Pleuropulmonary blastoma. Last evaluated: 2019-07-01. Review status: criteria provided, single submitter. Criteria: ACMG Guidelines, 2015. Collection method: curation. Allele origin: germline. Affected: yes. Observed: 1 variant allele.
Comment: ACMG criteria met: PVS1, PM2, PP4

Literature cited by the submitters: PubMed 24823459.

NM_177438.3(DICER1):c.3046del (p.Ser1016fs)

Gene: DICER1 (dicer 1, ribonuclease III; minus strand). Cytogenetic location: 14q32.13.
Variant type: Deletion.
Coding change: c.3046del on transcript NM_177438.3 (MANE Select); coding-DNA position 3046, one base deleted (A; older notation c.3046delA).
Protein change: p.Ser1016fs; shifts the reading frame from serine 1016.
Molecular consequence: frameshift variant.
Genome position (GRCh38, 1-based): chr14:95,105,725, T deleted on the plus strand (A on the coding strand, the reverse complement: DICER1 is on the minus strand). VCF-style (leftmost placement, unchanged base first): chr14-95105724-CT-C. GRCh37 (hg19) VCF-style: chr14-95572061-CT-C.
Other names: c.3046del, p.Ser1016fs (NM_001195573.1, NM_001271282.3, NM_001291628.2 and 1 more transcripts); short protein forms S1016fs.
Identifiers: ClinVar variation 933106 (VCV000933106.3), dbSNP rs1891358172, ClinGen allele CA1139663642.